The following is an entry in ClinVar:

ClinVar aggregate classification (germline): Pathogenic (1 of 4 stars; one submission).

Conditions:
Cohen syndrome (COH1). Also called: PEPPER SYNDROME; Cutis verticis gyrata, retinitis pigmentosa, and sensorineural deafness. Identifiers: Orphanet 193, MedGen C0265223, MONDO:0008999, OMIM 216550.

Submission:

Labcorp Genetics (formerly Invitae), Labcorp
Classification: Pathogenic for Cohen syndrome. Last evaluated: 2023-11-12. Review status: criteria provided, single submitter. Criteria: Invitae Variant Classification Sherloc (09022015). Collection method: clinical testing. Allele origin: germline.
Comment: This sequence change creates a premature translational stop signal (p.Gly60*) in the VPS13B gene. It is expected to result in an absent or disrupted protein product. Loss-of-function variants in VPS13B are known to be pathogenic (PMID: 15141358, 16648375, 20461111). This variant is not present in population databases (gnomAD no frequency). This variant has not been reported in the literature in individuals affected with VPS13B-related conditions. For these reasons, this variant has been classified as Pathogenic.

Literature cited by the submitters: PubMed 15141358; PubMed 16648375; PubMed 20461111.

NM_152564.5(VPS13B):c.178G>T (p.Gly60Ter)

Gene: VPS13B (vacuolar protein sorting 13 homolog B; plus strand). Cytogenetic location: 8q22.2.
Variant type: single nucleotide variant.
Coding change: c.178G>T on transcript NM_152564.5 (MANE Select); coding-DNA position 178, G replaced by T.
Protein change: p.Gly60Ter; replaces glycine 60 with a stop codon.
Molecular consequence: nonsense. On other transcripts: non-coding transcript variant (1).
Genome position (GRCh38, 1-based): chr8:99,038,453, G>T. VCF-style: chr8-99038453-G-T. GRCh37 (hg19) VCF-style: chr8-100050681-G-T.
Other names: c.178G>T, p.Gly60Ter (NM_015243.3, NM_017890.5, NM_181661.3); short protein forms G60*.
Identifiers: ClinVar variation 2694670 (VCV002694670.3), dbSNP rs2488267313, ClinGen allele CA371859656.